The following is an entry in ClinVar:

NM_006929.5(SKIC2):c.919-3_919-2insCA

Genes: SKIC2 (SKI2 subunit of superkiller complex; plus strand), LOC126859653 (CDK7 strongly-dependent group 2 enhancer GRCh37_chr6:31929542-31930741; plus strand). Cytogenetic location: 6p21.33.
Variant type: Insertion.
Coding change: c.919-3_919-2insCA on transcript NM_006929.5 (MANE Select); 3 bases into the intron before coding-DNA position 919 through the canonical splice acceptor site of the intron before coding-DNA position 919, CA inserted.
Molecular consequence: splice acceptor variant.
Genome position: GRCh38 VCF-style: chr6-31961906-T-TCA. GRCh37 (hg19) VCF-style: chr6-31929683-T-TCA.
Identifiers: ClinVar variation 1705257 (VCV001705257.4), dbSNP rs770482527, ClinGen allele CA3729302.

ClinVar aggregate classification (germline): Uncertain significance. Review status: criteria provided, multiple submitters, no conflicts (2 of 4 stars). 2 submissions from 2 submitters: Uncertain significance (2). Last evaluated 2023-12-11.

Allele frequency attached by ClinVar (database versions not stated): TOPMed below 0.00001; ExAC 0.00001; gnomAD exomes 0.00001.

Submissions (2):

Labcorp Genetics (formerly Invitae), Labcorp
Classification: Uncertain significance. Last evaluated: 2023-12-11. Review status: criteria provided, single submitter. Criteria: Invitae Variant Classification Sherloc (09022015). Collection method: clinical testing. Allele origin: germline.
Comment: This sequence change falls in intron 9 of the SKIV2L gene. It does not directly change the encoded amino acid sequence of the SKIV2L protein. It affects a nucleotide within the consensus splice site. This variant is present in population databases (rs770482527, gnomAD 0.002%). This variant has not been reported in the literature in individuals affected with SKIV2L-related conditions. ClinVar contains an entry for this variant (Variation ID: 1705257). Variants that disrupt the consensus splice site are a relatively common cause of aberrant splicing (PMID: 17576681, 9536098). Algorithms developed to predict the effect of sequence changes on RNA splicing suggest that this variant may disrupt the consensus splice site. In summary, the available evidence is currently insufficient to determine the role of this variant in disease. Therefore, it has been classified as a Variant of Uncertain Significance.

Women's Health and Genetics/Laboratory Corporation of America, LabCorp
Classification: Uncertain significance. Last evaluated: 2022-07-29. Review status: criteria provided, single submitter. Criteria: LabCorp Variant Classification Summary - May 2015. Collection method: clinical testing. Allele origin: germline.
Comment: Variant summary: SKIV2L (SKIC2) c.919-3_919-2insCA alters a conserved nucleotide located close to a canonical splice site and therefore could affect mRNA splicing, leading to a significantly altered protein sequence. 3/4 computational tools predict no significant impact on normal splicing. 1/4 computational tools predict creation of a cryptic 5' donor site. However, these predictions have yet to be confirmed by functional studies. The variant allele was found at a frequency of 8.1e-06 in 246610 control chromosomes (gnomAD). The available data on variant occurrences in the general population are insufficient to allow any conclusion about variant significance. To our knowledge, no occurrence of c.919-3_919-2insCA in individuals affected with Trichohepatoenteric Syndrome and no experimental evidence demonstrating its impact on protein function have been reported. No clinical diagnostic laboratories have submitted clinical-significance assessments for this variant to ClinVar after 2014. Based on the evidence outlined above, the variant was classified as uncertain significance.

Literature cited by the submitters: PubMed 17576681 (cited by Labcorp Genetics (formerly Invitae), Labcorp); PubMed 9536098 (cited by Labcorp Genetics (formerly Invitae), Labcorp).